The following is an entry in ClinVar:

NM_004006.3(DMD):c.7482dup (p.Ser2495fs)

Gene: DMD (dystrophin; minus strand). Cytogenetic location: Xp21.1.
Variant type: Duplication.
Coding change: c.7482dup on transcript NM_004006.3 (MANE Select); coding-DNA position 7482, one base duplicated (A; older notation c.7482dupA).
Protein change: p.Ser2495fs; shifts the reading frame from serine 2495.
Molecular consequence: frameshift variant.
Genome position (GRCh38, 1-based): chrX:31,774,020, T duplicated on the plus strand (A on the coding strand, the reverse complement: DMD is on the minus strand); the first of 4 consecutive T bases (chrX:31,774,020-31,774,023); duplicating any one gives the same sequence. VCF-style (leftmost placement, unchanged base first): chrX-31774019-A-AT. GRCh37 (hg19) VCF-style: chrX-31792136-A-AT.
Other names: c.7458dup, p.Ser2487fs (NM_000109.4); c.7470dup, p.Ser2491fs (NM_004009.3); c.7113dup, p.Ser2372fs (NM_004010.3); c.3459dup, p.Ser1154fs (NM_004011.4); c.3450dup, p.Ser1151fs (NM_004012.4); c.102dup, p.Ser35fs (NM_004013.3, NM_004020.4, NM_004021.3 and 2 more transcripts); short protein forms S1151fs, S1154fs, S2487fs, S2491fs, S35fs, S2495fs, S2372fs.
Identifiers: ClinVar variation 5004306 (VCV005004306.1).
Genomic context (GRCh38, chrX:31,774,019, plus strand): 5'-CCTTCTGCTTGATGATCATCTCGTTGATATCCTCAAGGTCACCCACCATCACCCTCTGTG[A>AT]TTTTATAACTTGATCAAGCAGAGAAAGCCAGTCGGTAAGTTCTGTCCAAGCCCGGTTGAA-3'

ClinVar aggregate classification (germline): Pathogenic (1 of 4 stars; one submission).

Conditions:
Progressive muscular dystrophy. Identifiers: Orphanet 206644, MedGen C4551827, MONDO:0016106.

Submission:

Myriad Genetics, Inc.
Classification: Pathogenic for Progressive muscular dystrophy. Last evaluated: 2025-12-01. Review status: criteria provided, single submitter. Criteria: Myriad Autosomal Dominant, Autosomal Recessive and X-Linked Classification Criteria (2023). Collection method: clinical testing. Allele origin: unknown.
Comment: NM_004006.2(DMD):c.7482dupA(S2495Ifs*8) is a frameshift variant classified as pathogenic in the context of dystrophinopathy (including Duchenne/Becker muscular dystrophy). S2495Ifs*8 has not been observed in cases with relevant disease. Relevant functional assessments of this variant are not available in the literature. S2495Ifs*8 has not been observed in referenced population frequency databases. In summary, NM_004006.2(DMD):c.7482dupA(S2495Ifs*8) is a frameshift variant in a gene where loss of function is a known mechanism of disease and is predicted to disrupt protein function. Please note: this variant was assessed in the context of healthy population screening.